The following is an entry in ClinVar:

NM_007294.4(BRCA1):c.3106T>A (p.Phe1036Ile)

Gene: BRCA1 (BRCA1 DNA repair associated; minus strand). Cytogenetic location: 17q21.31.
Variant type: single nucleotide variant.
Coding change: c.3106T>A on transcript NM_007294.4 (MANE Select); coding-DNA position 3106, T replaced by A.
Protein change: p.Phe1036Ile; replaces phenylalanine 1036 with isoleucine.
Molecular consequence: missense variant. On other transcripts: intron variant (137).
Genome position (GRCh38, 1-based): chr17:43,092,425, A>T on the plus strand (T>A on the coding strand, the complement: BRCA1 is on the minus strand). VCF-style: chr17-43092425-A-T. GRCh37 (hg19) VCF-style: chr17-41244442-A-T.
Other names: c.587-1393T>A (NM_001408476.1, NM_001408474.1); c.710-1393T>A (NM_001408409.1, NM_001408412.1, NM_001408414.1 and 2 more transcripts); c.575-1393T>A (NM_001408493.1, NM_001408490.1, NM_001408491.1); c.662-1393T>A (NM_001408445.1, NM_001408432.1, NM_001408446.1 and 6 more transcripts); c.668-1393T>A (NM_001408431.1, NM_001408424.1, NM_001408421.1); c.455-1393T>A (NM_001408502.1); c.578-1393T>A (NM_001408489.1, NM_001408479.1, NM_001408481.1 and 9 more transcripts); c.3106T>A, p.Phe1036Ile (NM_001407582.1, NM_001407585.1, NM_001407583.1 and 30 more transcripts); and 41 more; short protein forms F1035I, F925I, F965I, F988I, F989I, F1009I, F1033I, F908I.
Identifiers: ClinVar variation 3481878 (VCV003481878.1).

ClinVar aggregate classification (germline): Uncertain significance (1 of 4 stars; one submission).

Conditions:
Hereditary cancer-predisposing syndrome. Also called: Tumor predisposition; Neoplastic Syndromes, Hereditary; Hereditary Cancer Syndrome; Hereditary neoplastic syndrome. Identifiers: Orphanet 140162, MedGen C0027672, MeSH D009386, MONDO:0015356.

Submission:

Ambry Genetics
Classification: Uncertain significance for Hereditary cancer-predisposing syndrome. Last evaluated: 2024-10-15. Review status: criteria provided, single submitter. Criteria: Ambry Variant Classification Scheme 2023. Collection method: clinical testing. Allele origin: germline.
Comment: The p.F1036I variant (also known as c.3106T>A), located in coding exon 9 of the BRCA1 gene, results from a T to A substitution at nucleotide position 3106. The phenylalanine at codon 1036 is replaced by isoleucine, an amino acid with highly similar properties. This amino acid position is conserved. In addition, this alteration is predicted to be tolerated by in silico analysis. Based on the available evidence, the clinical significance of this variant remains unclear.